The following is an entry in ClinVar:

ClinVar aggregate classification (germline): Uncertain significance (1 of 4 stars; one submission).

Conditions:
NOS3-related disorder. Also called: NOS3-related condition.

gnomAD v4.1: 3 of 1,580,824 alleles (0.00019%); highest among the groups gnomAD compares: Non-Finnish European, 0.00026%; no homozygotes.

Submission:

PreventionGenetics, part of Exact Sciences
Classification: Uncertain significance for NOS3-related condition. Last evaluated: 2026-03-19. Review status: criteria provided, single submitter. Criteria: ACMG Guidelines, 2015. Collection method: clinical testing. Allele origin: germline.
Comment: The NOS3 c.118C>G variant is predicted to result in the amino acid substitution p.Arg40Gly. To our knowledge, this variant has not been reported in the literature or in a large population database (gnomAD). At this time, the clinical significance of this variant is uncertain due to the absence of conclusive functional and genetic evidence.

NM_000603.5(NOS3):c.118C>G (p.Arg40Gly)

Genes: NOS3 (nitric oxide synthase 3; plus strand), LOC110973015 (NOS3 5' regulatory region; plus strand). Cytogenetic location: 7q36.1.
Variant type: single nucleotide variant.
Coding change: c.118C>G on transcript NM_000603.5 (MANE Select); coding-DNA position 118, C replaced by G.
Protein change: p.Arg40Gly; replaces arginine 40 with glycine.
Molecular consequence: missense variant.
Genome position (GRCh38, 1-based): chr7:150,993,921, C>G. VCF-style: chr7-150993921-C-G. GRCh37 (hg19) VCF-style: chr7-150691009-C-G.
Other names: c.118C>G, p.Arg40Gly (NM_001160109.2, NM_001160110.1, NM_001160111.1); short protein forms R40G.
Identifiers: ClinVar variation 4995592 (VCV004995592.1).